The following is an entry in ClinVar:

NM_001364905.1(LRBA):c.6046+7G>T

Gene: LRBA (LPS responsive beige-like anchor protein; minus strand). Cytogenetic location: 4q31.3.
Variant type: single nucleotide variant.
Coding change: c.6046+7G>T on transcript NM_001364905.1 (MANE Select); 7 bases into the intron after coding-DNA position 6046, G replaced by T.
Molecular consequence: intron variant.
Genome position (GRCh38, 1-based): chr4:150,599,000, C>A on the plus strand (G>T on the coding strand, the complement: LRBA is on the minus strand). VCF-style: chr4-150599000-C-A. GRCh37 (hg19) VCF-style: chr4-151520152-C-A.
Other names: c.6046+7G>T (NM_001367550.1, NM_006726.5, NM_001199282.3 and 2 more transcripts).
Identifiers: ClinVar variation 748229 (VCV000748229.14), dbSNP rs376126419, ClinGen allele CA3102274.

ClinVar aggregate classification (germline): Conflicting classifications of pathogenicity. Review status: criteria provided, conflicting classifications (1 of 4 stars). 4 submissions from 4 submitters: Uncertain significance (1); Likely benign (2). 1 of the submissions does not count toward it. Last evaluated 2025-11-25.

Conditions:
LRBA-related disorder. Also called: LRBA-related condition.
Combined immunodeficiency due to LRBA deficiency. Also called: Common variable immunodeficiency 8, with autoimmunity. Identifiers: Orphanet 445018, MedGen C3553512, MONDO:0013863, OMIM 614700.

Allele frequency attached by ClinVar (database versions not stated): gnomAD 0.00010 and 0.00011; gnomAD exomes 0.00011; ExAC 0.00012; TOPMed 0.00012; ESP Exome Variant Server 0.00015.
gnomAD v4.1: 183 of 1,613,850 alleles (0.011%); highest among the groups gnomAD compares: Non-Finnish European, 0.015%; no homozygotes.

Submissions (4):

Labcorp Genetics (formerly Invitae), Labcorp
Classification: Likely benign for Combined immunodeficiency due to LRBA deficiency. Last evaluated: 2025-11-25. Review status: criteria provided, single submitter. Criteria: Invitae Variant Classification Sherloc (09022015). Collection method: clinical testing. Allele origin: germline.

Blueprint Genetics
Classification: Likely benign. Last evaluated: 2024-10-15. Review status: criteria provided, single submitter. Criteria: ACMG Guidelines, 2015. Collection method: clinical testing. Allele origin: germline.

Center for Genomics, Ann and Robert H. Lurie Children's Hospital of Chicago
Classification: Uncertain significance for Combined immunodeficiency due to LRBA deficiency. Last evaluated: 2021-03-30. Review status: criteria provided, single submitter. Criteria: ACMG Guidelines, 2015. Collection method: clinical testing. Allele origin: germline.
Comment: LRBA NM_006726.4 intron 38 c.6046+7G>T:This variant has not been reported in the literature but is present in 0.02% (29/128872) of European alleles in the Genome Aggregation Database. This variant is present in ClinVar (Variation ID:748229). Evolutionary conservation and computational predictive tools for this variant are limited or unavailable. Although this variant occurs in the splice region, computational prediction tools do not suggest that it alters splicing. However, further studies are needed to understand its impact. In summary, data on this variant is insufficient for disease classification. Therefore, the clinical significance of this variant is uncertain.

PreventionGenetics, part of Exact Sciences
Classification: Likely benign for LRBA-related condition. Last evaluated: 2019-09-12. Review status: no assertion criteria provided. Collection method: clinical testing. Allele origin: germline. Not counted in ClinVar's aggregate classification.
Comment: This variant is classified as likely benign based on ACMG/AMP sequence variant interpretation guidelines (Richards et al. 2015 PMID: 25741868, with internal and published modifications).